The following is an entry in ClinVar:

NM_001171.6(ABCC6):c.4308G>A (p.Thr1436=)

Gene: ABCC6 (ATP binding cassette subfamily C member 6; minus strand). Cytogenetic location: 16p13.11.
Variant type: single nucleotide variant.
Coding change: c.4308G>A on transcript NM_001171.6 (MANE Select); coding-DNA position 4308, G replaced by A.
Protein change: p.Thr1436=; no amino-acid change (threonine 1436 retained).
Molecular consequence: synonymous variant. On other transcripts: non-coding transcript variant (1).
Genome position (GRCh38, 1-based): chr16:16,150,673, C>T on the plus strand (G>A on the coding strand, the complement: ABCC6 is on the minus strand). VCF-style: chr16-16150673-C-T. GRCh37 (hg19) VCF-style: chr16-16244530-C-T.
Other names: c.3966G>A, p.Thr1322= (NM_001351800.1); c.4308G>A (NM_001171.5).
Identifiers: ClinVar variation 2414971 (VCV002414971.9), dbSNP rs769879386, ClinGen allele CA7925226.

ClinVar aggregate classification (germline): Likely benign. Review status: criteria provided, multiple submitters, no conflicts (2 of 4 stars). 3 submissions from 3 submitters: Likely benign (3). Last evaluated 2026-03-04.

Conditions:
ABCC6-related disorder. Also called: ABCC6-related condition.

Allele frequency attached by ClinVar (database versions not stated): gnomAD exomes 0.00002; ExAC 0.00003; gnomAD 0.00003; TOPMed 0.00006.
gnomAD v4.1: 35 of 1,613,398 alleles (0.0022%); highest among the groups gnomAD compares: Admixed American, 0.0083%; no homozygotes.

Submissions (3):

PreventionGenetics, part of Exact Sciences
Classification: Likely benign for ABCC6-related condition. Last evaluated: 2026-03-04. Review status: criteria provided, single submitter. Criteria: ACMG Guidelines, 2015. Collection method: clinical testing. Allele origin: germline.
Comment: This variant is classified as likely benign based on ACMG/AMP sequence variant interpretation guidelines (Richards et al. 2015 PMID: 25741868, with internal and published modifications).

Labcorp Genetics (formerly Invitae), Labcorp
Classification: Likely benign. Last evaluated: 2025-03-05. Review status: criteria provided, single submitter. Criteria: Invitae Variant Classification Sherloc (09022015). Collection method: clinical testing. Allele origin: germline.

Blueprint Genetics
Classification: Likely benign. Last evaluated: 2024-06-06. Review status: criteria provided, single submitter. Criteria: ACMG Guidelines, 2015. Collection method: clinical testing. Allele origin: germline.